The following is an entry in ClinVar:

NM_001113378.2(FANCI):c.1654A>C (p.Ser552Arg)

Gene: FANCI (FA complementation group I; plus strand). Cytogenetic location: 15q26.1.
Variant type: single nucleotide variant.
Coding change: c.1654A>C on transcript NM_001113378.2 (MANE Select); coding-DNA position 1654, A replaced by C.
Protein change: p.Ser552Arg; replaces serine 552 with arginine.
Molecular consequence: missense variant.
Genome position (GRCh38, 1-based): chr15:89,283,206, A>C. VCF-style: chr15-89283206-A-C. GRCh37 (hg19) VCF-style: chr15-89826437-A-C.
Other names: c.1375A>C, p.Ser459Arg (NM_001376910.1); c.1654A>C, p.Ser552Arg (NM_001376911.1, NM_018193.3); short protein forms S552R, S459R.
Identifiers: ClinVar variation 408246 (VCV000408246.8), dbSNP rs1060501899, ClinGen allele CA16614574.

ClinVar aggregate classification (germline): Uncertain significance (1 of 4 stars; one submission).

Conditions:
Fanconi anemia (FA). Also called: Fanconi's anemia. Identifiers: Orphanet 84, MedGen C0015625, MeSH D005199, MONDO:0019391.

Submission:

Labcorp Genetics (formerly Invitae), Labcorp
Classification: Uncertain significance for Fanconi anemia. Last evaluated: 2016-11-15. Review status: criteria provided, single submitter. Criteria: Invitae Variant Classification Sherloc (09022015). Collection method: clinical testing. Allele origin: germline.
Comment: Algorithms developed to predict the effect of missense changes on protein structure and function do not agree on the potential impact of this missense change (SIFT: "Deleterious"; PolyPhen-2: "Benign"; Align-GVGD: "Class C15"). In summary, this variant is a novel missense change with uncertain impact on protein function. It has been classified as a Variant of Uncertain Significance. This variant is not present in population databases (ExAC no frequency) and has not been reported in the literature in individuals with a FANCI-related disease. This sequence change replaces serine with arginine at codon 552 of the FANCI protein (p.Ser552Arg). The serine residue is highly conserved and there is a moderate physicochemical difference between serine and arginine.